The following is an entry in ClinVar:

ClinVar aggregate classification (germline): Uncertain significance. Review status: criteria provided, multiple submitters, no conflicts (2 of 4 stars). 2 submissions from 2 submitters: Uncertain significance (2). Last evaluated 2024-10-29.

Conditions:
Cranioectodermal dysplasia 1 (CED1). Also called: LEVIN SYNDROME I. Identifiers: Orphanet 1515, MedGen C0432235, MONDO:0021093, OMIM 218330.

gnomAD v4.1: 7 of 1,613,628 alleles (0.00043%); highest among the groups gnomAD compares: Non-Finnish European, 0.00042%; no homozygotes.

Submissions (2):

Blueprint Genetics
Classification: Uncertain significance. Last evaluated: 2024-10-29. Review status: criteria provided, single submitter. Criteria: ACMG Guidelines, 2015. Collection method: clinical testing. Allele origin: germline.

Labcorp Genetics (formerly Invitae), Labcorp
Classification: Uncertain significance for Cranioectodermal dysplasia 1. Last evaluated: 2024-09-04. Review status: criteria provided, single submitter. Criteria: Invitae Variant Classification Sherloc (09022015). Collection method: clinical testing. Allele origin: germline.
Comment: This sequence change replaces lysine, which is basic and polar, with glutamic acid, which is acidic and polar, at codon 119 of the IFT122 protein (p.Lys119Glu). This variant is present in population databases (rs774669835, gnomAD 0.002%). This variant has not been reported in the literature in individuals affected with IFT122-related conditions. An algorithm developed to predict the effect of missense changes on protein structure and function (PolyPhen-2) suggests that this variant is likely to be tolerated. In summary, the available evidence is currently insufficient to determine the role of this variant in disease. Therefore, it has been classified as a Variant of Uncertain Significance.

NM_052989.3(IFT122):c.273-292A>G

Gene: IFT122 (intraflagellar transport 122; plus strand). Cytogenetic location: 3q21.3.
Variant type: single nucleotide variant.
Coding change: c.273-292A>G on transcript NM_052989.3 (MANE Select); 292 bases into the intron before coding-DNA position 273, A replaced by G.
Molecular consequence: intron variant. On other transcripts: missense variant (2).
Genome position (GRCh38, 1-based): chr3:129,460,936, A>G. VCF-style: chr3-129460936-A-G. GRCh37 (hg19) VCF-style: chr3-129179779-A-G.
Other names: c.355A>G, p.Lys119Glu (NM_001280541.2, NM_052985.4); c.-178-292A>G (NM_001280545.2, NM_001280546.2); c.273-292A>G (NM_001410808.1, NM_001410809.1, NM_001410810.1 and 3 more transcripts); c.194-2624A>G (NM_052990.3, NM_001410815.1, NM_001410817.1); short protein forms K119E.
Identifiers: ClinVar variation 3621453 (VCV003621453.3).